The following is an entry in ClinVar:

ClinVar aggregate classification (germline): Uncertain significance. Review status: criteria provided, multiple submitters, no conflicts (2 of 4 stars). 2 submissions from 2 submitters: Uncertain significance (2). Last evaluated 2022-07-05.

Conditions:
Leber congenital amaurosis 2 (LCA2). Also called: Autosomal Recessive RPE65-Related Retinal Degeneration; AMAUROSIS CONGENITA OF LEBER II. Identifiers: Orphanet 65, MedGen C1859844, MONDO:0008765, OMIM 204100. Disease mechanism: loss of function.
Retinitis pigmentosa 20 (RP20). Identifiers: Orphanet 791, MedGen C3151086, MONDO:0013425, OMIM 613794.

Allele frequency attached by ClinVar (database versions not stated): ESP Exome Variant Server 0.00008.

Submissions (2):

Labcorp Genetics (formerly Invitae), Labcorp
Classification: Uncertain significance for Leber congenital amaurosis 2; Retinitis pigmentosa 20. Last evaluated: 2022-07-05. Review status: criteria provided, single submitter. Criteria: Invitae Variant Classification Sherloc (09022015). Collection method: clinical testing. Allele origin: germline.
Comment: This variant is not present in population databases (gnomAD no frequency). This sequence change replaces glycine, which is neutral and non-polar, with arginine, which is basic and polar, at codon 528 of the RPE65 protein (p.Gly528Arg). This variant has not been reported in the literature in individuals affected with RPE65-related conditions. In summary, the available evidence is currently insufficient to determine the role of this variant in disease. Therefore, it has been classified as a Variant of Uncertain Significance. Algorithms developed to predict the effect of sequence changes on RNA splicing suggest that this variant may create or strengthen a splice site. Advanced modeling of protein sequence and biophysical properties (such as structural, functional, and spatial information, amino acid conservation, physicochemical variation, residue mobility, and thermodynamic stability) performed at Invitae indicates that this missense variant is expected to disrupt RPE65 protein function. ClinVar contains an entry for this variant (Variation ID: 941838).

Blueprint Genetics
Classification: Uncertain significance. Last evaluated: 2021-03-29. Review status: criteria provided, single submitter. Criteria: ACMG Guidelines, 2015. Collection method: clinical testing. Allele origin: germline.

NM_000329.3(RPE65):c.1582G>A (p.Gly528Arg)

Gene: RPE65 (retinoid isomerohydrolase RPE65; minus strand). Cytogenetic location: 1p31.3.
Variant type: single nucleotide variant.
Coding change: c.1582G>A on transcript NM_000329.3 (MANE Select); coding-DNA position 1582, G replaced by A.
Protein change: p.Gly528Arg; replaces glycine 528 with arginine.
Molecular consequence: missense variant.
Genome position (GRCh38, 1-based): chr1:68,429,796, C>T on the plus strand (G>A on the coding strand, the complement: RPE65 is on the minus strand). VCF-style: chr1-68429796-C-T. GRCh37 (hg19) VCF-style: chr1-68895479-C-T.
Other names: short protein forms G528R.
Identifiers: ClinVar variation 941838 (VCV000941838.9), dbSNP rs150832066, ClinGen allele CA23562482.